The following is an entry in ClinVar:

ClinVar aggregate classification (germline): Uncertain significance. Review status: criteria provided, multiple submitters, no conflicts (2 of 4 stars). 3 submissions from 3 submitters: Uncertain significance (3). Last evaluated 2023-10-24.

Conditions:
Autosomal recessive mendelian susceptibility to mycobacterial diseases due to complete RORgamma receptor deficiency. Also called: Immunodeficiency 42. Identifiers: Orphanet 477857, MedGen C5567647, MONDO:0014710, OMIM 616622.
Inborn genetic diseases. Identifiers: MedGen C0950123, MeSH D030342.

Allele frequency attached by ClinVar (database versions not stated): gnomAD exomes 0.00001; gnomAD 0.00002; TOPMed 0.00008.
gnomAD v4.1: 12 of 1,536,850 alleles (0.00078%); highest among the groups gnomAD compares: Admixed American, 0.021%; no homozygotes.

Submissions (3):

Ambry Genetics
Classification: Uncertain significance for Inborn genetic diseases. Last evaluated: 2023-10-24. Review status: criteria provided, single submitter. Criteria: Ambry Variant Classification Scheme 2023. Collection method: clinical testing. Allele origin: germline.

Labcorp Genetics (formerly Invitae), Labcorp
Classification: Uncertain significance for Autosomal recessive mendelian susceptibility to mycobacterial diseases due to complete RORgamma receptor deficiency. Last evaluated: 2021-08-31. Review status: criteria provided, single submitter. Criteria: Invitae Variant Classification Sherloc (09022015). Collection method: clinical testing. Allele origin: germline.
Comment: This sequence change replaces histidine with tyrosine at codon 22 of the RORC protein (p.His22Tyr). The histidine residue is weakly conserved and there is a moderate physicochemical difference between histidine and tyrosine. This variant is not present in population databases (ExAC no frequency). This variant has not been reported in the literature in individuals affected with RORC-related conditions. Algorithms developed to predict the effect of missense changes on protein structure and function (SIFT, PolyPhen-2, Align-GVGD) all suggest that this variant is likely to be tolerated. In summary, the available evidence is currently insufficient to determine the role of this variant in disease. Therefore, it has been classified as a Variant of Uncertain Significance.

Breakthrough Genomics
Classification: Uncertain significance. Review status: criteria provided, single submitter. Criteria: ACMG Guidelines, 2015. Collection method: not provided. Allele origin: germline. Inheritance: Autosomal recessive inheritance. Affected: yes.

NM_005060.4(RORC):c.64C>T (p.His22Tyr)

Gene: RORC (RAR related orphan receptor C; minus strand). Cytogenetic location: 1q21.3.
Variant type: single nucleotide variant.
Coding change: c.64C>T on transcript NM_005060.4 (MANE Select); coding-DNA position 64, C replaced by T.
Protein change: p.His22Tyr; replaces histidine 22 with tyrosine.
Molecular consequence: missense variant.
Genome position (GRCh38, 1-based): chr1:151,829,435, G>A on the plus strand (C>T on the coding strand, the complement: RORC is on the minus strand). VCF-style: chr1-151829435-G-A. GRCh37 (hg19) VCF-style: chr1-151801911-G-A.
Other names: c.64C>T (NM_005060.3); short protein forms H22Y.
Identifiers: ClinVar variation 1062297 (VCV001062297.8), dbSNP rs887739679, ClinGen allele CA30509249.